The following is an entry in ClinVar:

NC_000015.9:g.(?_35080829)_(35087019_?)del

Gene: ACTC1 (actin alpha cardiac muscle 1; minus strand). Cytogenetic location: 15q14.
Variant type: Deletion.
Identifiers: ClinVar variation 1015399 (VCV001015399.1).

ClinVar aggregate classification (germline): Uncertain significance (1 of 4 stars; one submission).

Conditions:
Hypertrophic cardiomyopathy 11. Also called: ACTC1-Related Familial Hypertrophic Cardiomyopathy. Identifiers: MedGen C2677506, MONDO:0012799, OMIM 612098.
Dilated cardiomyopathy 1R (CMD1R). Identifiers: Orphanet 154, Orphanet 54260, MedGen C3150681, MONDO:0013261, OMIM 613424.
Atrial septal defect 5 (ASD5). Identifiers: Orphanet 1478, MedGen C2748552, MONDO:0013011, OMIM 612794.

Submission:

Labcorp Genetics (formerly Invitae), Labcorp
Classification: Uncertain significance for Dilated cardiomyopathy 1R; Hypertrophic cardiomyopathy 11; Atrial septal defect 5. Last evaluated: 2020-05-13. Review status: criteria provided, single submitter. Criteria: Invitae Variant Classification Sherloc (09022015). Collection method: clinical testing. Allele origin: germline.
Comment: A gross deletion of the genomic region encompassing the full coding sequence of the ACTC1 gene has been identified. The boundaries of this event are unknown as the deletion extends beyond the assayed region for this gene and therefore may encompass additional genes. Isolated whole-gene deletions of ACTC1 have not been reported in the literature. However, larger copy number events that include this gene have been reported (PMID: 18458017, 27125413). The current clinical and genetic evidence is not sufficient to establish whether loss-of-function variants in ACTC1 cause disease. In summary, the available evidence is currently insufficient to determine the role of this variant in disease. Therefore, it has been classified as a Variant of Uncertain Significance.

Literature cited by the submitters: PubMed 18458017; PubMed 27125413.